The following is an entry in ClinVar:

NM_000116.5(TAFAZZIN):c.238+2_238+9del

Gene: TAFAZZIN (tafazzin, phospholipid-lysophospholipid transacylase; plus strand). Cytogenetic location: Xq28.
Variant type: Deletion.
Coding change: c.238+2_238+9del on transcript NM_000116.5 (MANE Select); the canonical splice donor site of the intron after coding-DNA position 238 through 9 bases into the intron after coding-DNA position 238, 8 bases deleted (TACCCGGG; older notation c.238+2_238+9delTACCCGGG).
Molecular consequence: splice donor variant.
Genome position (GRCh38, 1-based): chrX:154,412,216-154,412,223, TACCCGGG deleted; deleting any 8 consecutive bases within chrX:154,412,213-154,412,223 gives the same sequence; the c. name uses the placement nearest the transcript's 3' end. VCF-style (leftmost placement, unchanged base first): chrX-154412212-GGGGTACCC-G. GRCh37 (hg19) VCF-style: chrX-153640549-GGGGTACCC-G.
Other names: c.292+2_292+9del (NM_001303465.2); c.238+2_238+9del (NM_181312.4, NM_181311.4, NM_181313.4).
Identifiers: ClinVar variation 661106 (VCV000661106.5), dbSNP rs1603376938, ClinGen allele CA915952186.
Genomic context (GRCh38, chrX:154,412,212, plus strand): 5'-CGGCCACGCCCCTCATCACCGTGTCCAATCACCAGTCCTGCATGGACGACCCTCATCTCT[GGGGTACCC>G]GGGCCAGTGTGCTGGGCAGGGGGAGGAAAGGCGAGGATTCGGGACGGGCCCAGCCTCGTC-3'

ClinVar aggregate classification (germline): Likely pathogenic (1 of 4 stars; one submission).

Conditions:
3-Methylglutaconic aciduria type 2 (BTHS). Also called: CARDIOSKELETAL MYOPATHY WITH NEUTROPENIA AND ABNORMAL MITOCHONDRIA; Barth syndrome. Identifiers: Orphanet 111, MedGen C0574083, MONDO:0010543, OMIM 302060.

Submission:

Labcorp Genetics (formerly Invitae), Labcorp
Classification: Likely pathogenic for 3-Methylglutaconic aciduria type 2. Last evaluated: 2018-07-13. Review status: criteria provided, single submitter. Criteria: Invitae Variant Classification Sherloc (09022015). Collection method: clinical testing. Allele origin: germline.
Comment: Donor and acceptor splice site variants typically lead to a loss of protein function (PMID: 16199547), and loss-of-function variants in TAZ are known to be pathogenic (PMID: 16427346, 22382802, 23409742). In summary, the currently available evidence indicates that the variant is pathogenic, but additional data are needed to prove that conclusively. Therefore, this variant has been classified as Likely Pathogenic. This variant has not been reported in the literature in individuals with TAZ-related disease. This sequence change affects donor splice site in intron 2 of the TAZ gene. It is expected to disrupt RNA splicing and likely results in an absent or disrupted protein product. This variant is not present in population databases (ExAC no frequency).

Literature cited by the submitters: PubMed 16199547; PubMed 16427346; PubMed 22382802; PubMed 23409742.